The following is an entry in ClinVar:

NM_001142800.2(EYS):c.150C>A (p.Cys50Ter)

Gene: EYS (EGF-like photoreceptor maintenance factor; minus strand). Cytogenetic location: 6q12.
Variant type: single nucleotide variant.
Coding change: c.150C>A on transcript NM_001142800.2 (MANE Select); coding-DNA position 150, C replaced by A.
Protein change: p.Cys50Ter; replaces cysteine 50 with a stop codon.
Molecular consequence: nonsense.
Genome position (GRCh38, 1-based): chr6:65,495,261, G>T on the plus strand (C>A on the coding strand, the complement: EYS is on the minus strand). VCF-style: chr6-65495261-G-T. GRCh37 (hg19) VCF-style: chr6-66205154-G-T.
Other names: c.150C>A, p.Cys50Ter (NM_001142801.2, NM_001292009.2, NM_198283.2); short protein forms C50*.
Identifiers: ClinVar variation 3249467 (VCV003249467.2).

ClinVar aggregate classification (germline): Pathogenic. Review status: criteria provided, single submitter (1 of 4 stars). 2 submissions from 2 submitters: Pathogenic (1). 1 of the submissions does not count toward it. Last evaluated 2025-04-10.

Conditions:
Retinitis pigmentosa 25 (RP25). Identifiers: Orphanet 791, MedGen C1864446, MONDO:0011272, OMIM 602772.
Retinal dystrophy. Also called: Inherited retinal dystrophy. Identifiers: Orphanet 71862, MedGen C0854723, MeSH D058499, MONDO:0019118, HP:0000556.

Submissions (2):

Myriad Genetics, Inc.
Classification: Pathogenic for Retinitis pigmentosa 25. Last evaluated: 2025-04-10. Review status: criteria provided, single submitter. Criteria: Myriad Autosomal Dominant, Autosomal Recessive and X-Linked Classification Criteria (2023). Collection method: clinical testing. Allele origin: unknown.
Comment: NM_001142800.1(EYS):c.150C>A(C50*) is a nonsense variant classified as pathogenic in the context of retinitis pigmentosa, EYS-related. C50* has been observed in a case with relevant disease (PMID: 39462066). Relevant functional assessments of this variant are not available in the literature. C50* has not been observed in referenced population frequency databases. In summary, NM_001142800.1(EYS):c.150C>A(C50*) is a nonsense variant in a gene where loss of function is a known mechanism of disease, is predicted to disrupt protein function, and has been observed more frequently in cases with the relevant disease than in healthy populations. Please note: this variant was assessed in the context of healthy population screening.

Institute of Human Genetics, Univ. Regensburg, Univ. Regensburg
Classification: Pathogenic for Retinal dystrophy. Last evaluated: 2023-01-01. Review status: no assertion criteria provided. Criteria: ACMG Guidelines, 2015. Collection method: clinical testing. Allele origin: germline. Affected: yes. Not counted in ClinVar's aggregate classification.

Literature cited by the submitters: PubMed 39462066 (cited by Myriad Genetics, Inc.).